The following is an entry in ClinVar:

ClinVar aggregate classification (germline): Uncertain significance (1 of 4 stars; one submission).

gnomAD v4.1: 1 of 1,614,128 alleles (0.000062%); highest among the groups gnomAD compares: Non-Finnish European, 0.000085%; no homozygotes.

Submission:

GeneDx
Classification: Uncertain significance. Last evaluated: 2025-03-20. Review status: criteria provided, single submitter. Criteria: GeneDx Variant Classification Process June 2021. Collection method: clinical testing. Allele origin: germline. Affected: yes.
Comment: Not observed at significant frequency in large population cohorts (gnomAD); In silico analysis supports that this missense variant has a deleterious effect on protein structure/function; Has not been previously published as pathogenic or benign to our knowledge

NM_000090.4(COL3A1):c.4066T>C (p.Phe1356Leu)

Gene: COL3A1 (collagen type III alpha 1 chain; plus strand). Cytogenetic location: 2q32.2.
Variant type: single nucleotide variant.
Coding change: c.4066T>C on transcript NM_000090.4 (MANE Select); coding-DNA position 4066, T replaced by C.
Protein change: p.Phe1356Leu; replaces phenylalanine 1356 with leucine.
Molecular consequence: missense variant.
Genome position (GRCh38, 1-based): chr2:189,010,702, T>C. VCF-style: chr2-189010702-T-C. GRCh37 (hg19) VCF-style: chr2-189875428-T-C.
Other names: short protein forms F1356L.
Identifiers: ClinVar variation 4086337 (VCV004086337.1).